The following is an entry in ClinVar:

ClinVar aggregate classification (germline): Uncertain significance (1 of 4 stars; one submission).

Conditions:
ERBIN-related disorder. Also called: ERBIN-related condition.

gnomAD v4.1: 4 of 1,538,208 alleles (0.00026%); highest among the groups gnomAD compares: South Asian, 0.0013%; no homozygotes.

Submission:

PreventionGenetics, part of Exact Sciences
Classification: Uncertain significance for ERBIN-related condition. Last evaluated: 2023-06-16. Review status: criteria provided, single submitter. Criteria: ACMG Guidelines, 2015. Collection method: clinical testing. Allele origin: germline.
Comment: The ERBIN c.1910C>G variant is predicted to result in the amino acid substitution p.Thr637Arg. To our knowledge, this variant has not been reported in the literature or in a large population database, indicating this variant is rare. At this time, the clinical significance of this variant is uncertain due to the absence of conclusive functional and genetic evidence.

NM_001253697.2(ERBIN):c.1910C>G (p.Thr637Arg)

Gene: ERBIN (erbb2 interacting protein; plus strand). Cytogenetic location: 5q12.3.
Variant type: single nucleotide variant.
Coding change: c.1910C>G on transcript NM_001253697.2 (MANE Select); coding-DNA position 1910, C replaced by G.
Protein change: p.Thr637Arg; replaces threonine 637 with arginine.
Molecular consequence: missense variant.
Genome position (GRCh38, 1-based): chr5:66,050,789, C>G. VCF-style: chr5-66050789-C-G. GRCh37 (hg19) VCF-style: chr5-65346617-C-G.
Other names: c.1910C>G, p.Thr637Arg (NM_001006600.3, NM_001253698.2, NM_001253699.2 and 1 more transcripts); c.1898C>G, p.Thr633Arg (NM_001253701.2); short protein forms T633R, T637R.
Identifiers: ClinVar variation 2632395 (VCV002632395.1), dbSNP rs1758940195, ClinGen allele CA359863711.
Genomic context (GRCh38, chr5:66,050,789, plus strand): 5'-TTTCACACAATTCTTGGGGAATTTATCATTAATCTTAAATTTGTTTTGTTTCAGATGATA[C>G]AAAGGAAACAGATTCTTTATCAGATGAAGTTACACACAATAGCAATCAGAATAACAGCAA-3'
Protein context (NP_001240626.1, residues 627-647): VALSNNKKDD[Thr637Arg]KETDSLSDEV